The following is an entry in ClinVar:

ClinVar aggregate classification (germline): Likely benign (1 of 4 stars; one submission).

Allele frequency attached by ClinVar (database versions not stated): gnomAD 0.00001; TOPMed 0.00001 and 0.00002.
gnomAD v4.1: 12 of 1,613,854 alleles (0.00074%); highest among the groups gnomAD compares: Non-Finnish European, 0.00034%; no homozygotes.

Submission:

GeneDx
Classification: Likely benign. Last evaluated: 2018-01-10. Review status: criteria provided, single submitter. Criteria: GeneDx Variant Classification (06012015). Collection method: clinical testing. Allele origin: germline. Affected: yes.
Comment: This variant is considered likely benign or benign based on one or more of the following criteria: it is a conservative change, it occurs at a poorly conserved position in the protein, it is predicted to be benign by multiple in silico algorithms, and/or has population frequency not consistent with disease.

NM_005050.4(ABCD4):c.936+11C>G

Gene: ABCD4 (ATP binding cassette subfamily D member 4; minus strand). Cytogenetic location: 14q24.3.
Variant type: single nucleotide variant.
Coding change: c.936+11C>G on transcript NM_005050.4 (MANE Select); 11 bases into the intron after coding-DNA position 936, C replaced by G.
Molecular consequence: intron variant.
Genome position (GRCh38, 1-based): chr14:74,292,737, G>C on the plus strand (C>G on the coding strand, the complement: ABCD4 is on the minus strand). VCF-style: chr14-74292737-G-C. GRCh37 (hg19) VCF-style: chr14-74759440-G-C.
Other names: c.147+11C>G (NM_001353607.2, NM_001353604.2, NM_001353603.2 and 6 more transcripts); c.459+11C>G (NM_001353598.2, NM_001353601.2, NM_001353600.2 and 2 more transcripts); c.624+11C>G (NM_001353594.2); c.675+11C>G (NM_001353593.2); c.471+11C>G (NM_001353597.2); c.522+11C>G (NM_001353596.2, NM_001353595.2); c.810+11C>G (NM_001353591.2, NM_001353592.2); c.936+11C>G (NM_020325.3).
Identifiers: ClinVar variation 513968 (VCV000513968.1), dbSNP rs759765179, ClinGen allele CA7267013.
Genomic context (GRCh38, chr14:74,292,737, plus strand): 5'-ACTCGAGCCCACAGACACTGGGCCAAGGACAGAGAGGGACAGCATGTGGGGTGACCAAGA[G>C]GGAGTCTCACCTTGCTGACCAGGGTGCTAAGCTCTGCGGGACTCAGGTCTCCATAGACCC-3'